The following is an entry in ClinVar:

ClinVar aggregate classification (germline): Uncertain significance (1 of 4 stars; one submission).

Conditions:
Duchenne muscular dystrophy (DMD). Also called: MUSCULAR DYSTROPHY, PSEUDOHYPERTROPHIC PROGRESSIVE, DUCHENNE TYPE; Duchenne Muscular Dystrophy (DMD). Identifiers: Orphanet 98896, MedGen C0013264, MONDO:0010679, OMIM 310200.

Allele frequency attached by ClinVar (database versions not stated): gnomAD exomes 0.00001.
gnomAD v4.1: 7 of 1,211,245 alleles (0.00058%); highest among the groups gnomAD compares: Non-Finnish European, 0.00078%; no homozygotes.

Submission:

Labcorp Genetics (formerly Invitae), Labcorp
Classification: Uncertain significance for Duchenne muscular dystrophy. Last evaluated: 2021-09-01. Review status: criteria provided, single submitter. Criteria: Invitae Variant Classification Sherloc (09022015). Collection method: clinical testing. Allele origin: germline.
Comment: This sequence change replaces aspartic acid with asparagine at codon 1390 of the DMD protein (p.Asp1390Asn). The aspartic acid residue is highly conserved and there is a small physicochemical difference between aspartic acid and asparagine. This variant is not present in population databases (ExAC no frequency). This variant has not been reported in the literature in individuals affected with DMD-related conditions. Algorithms developed to predict the effect of missense changes on protein structure and function are either unavailable or do not agree on the potential impact of this missense change (SIFT: "Deleterious"; PolyPhen-2: "Probably Damaging"; Align-GVGD: "Class C15"). In summary, the available evidence is currently insufficient to determine the role of this variant in disease. Therefore, it has been classified as a Variant of Uncertain Significance.

NM_004006.3(DMD):c.4168G>A (p.Asp1390Asn)

Gene: DMD (dystrophin; minus strand). Cytogenetic location: Xp21.1.
Variant type: single nucleotide variant.
Coding change: c.4168G>A on transcript NM_004006.3 (MANE Select); coding-DNA position 4168, G replaced by A.
Protein change: p.Asp1390Asn; replaces aspartic acid 1390 with asparagine.
Molecular consequence: missense variant.
Genome position (GRCh38, 1-based): chrX:32,411,817, C>T on the plus strand (G>A on the coding strand, the complement: DMD is on the minus strand). VCF-style: chrX-32411817-C-T. GRCh37 (hg19) VCF-style: chrX-32429934-C-T.
Other names: c.4144G>A, p.Asp1382Asn (NM_000109.4); c.4156G>A, p.Asp1386Asn (NM_004009.3); c.3799G>A, p.Asp1267Asn (NM_004010.3); c.145G>A, p.Asp49Asn (NM_004011.4); c.136G>A, p.Asp46Asn (NM_004012.4); short protein forms D49N, D1267N, D1386N, D1390N, D46N, D1382N.
Identifiers: ClinVar variation 2195368 (VCV002195368.1), dbSNP rs2523599791, ClinGen allele CA412666308.
Genomic context (GRCh38, chrX:32,411,817, plus strand): 5'-CTTCCTGAGGCATTTGAGCTGCGTCCACCTTGTCTGCAATATAAGCTGCCAACTGCTTGT[C>T]AATGAATGTGAGGGACTCCTGGATTAAGTGTAAGGATTTTTCAGTCTCCTGGGCAGACTG-3'
Protein context (NP_003997.2, residues 1380-1400): HLIQESLTFI[Asp1390Asn]KQLAAYIADK